The following is an entry in ClinVar:

ClinVar aggregate classification (germline): Pathogenic (1 of 4 stars; one submission).

Submission:

Labcorp Genetics (formerly Invitae), Labcorp
Classification: Pathogenic. Last evaluated: 2022-12-02. Review status: criteria provided, single submitter. Criteria: Invitae Variant Classification Sherloc (09022015). Collection method: clinical testing. Allele origin: germline.
Comment: This sequence change creates a premature translational stop signal (p.Gln704Lysfs*36) in the PHEX gene. While this is not anticipated to result in nonsense mediated decay, it is expected to disrupt the last 46 amino acid(s) of the PHEX protein. For these reasons, this variant has been classified as Pathogenic. This variant disrupts a region of the PHEX protein in which other variant(s) (p.Arg747*) have been determined to be pathogenic (PMID: 9199930, 9768674). This suggests that this is a clinically significant region of the protein, and that variants that disrupt it are likely to be disease-causing. Algorithms developed to predict the effect of sequence changes on RNA splicing suggest that this variant may disrupt the consensus splice site. This variant has not been reported in the literature in individuals affected with PHEX-related conditions. This variant is not present in population databases (gnomAD no frequency).

Literature cited by the submitters: PubMed 9199930; PubMed 9768674.

NM_000444.6(PHEX):c.2110del (p.Gln704fs)

Genes: PHEX (phosphate regulating endopeptidase X-linked; plus strand), PTCHD1-AS (PTCHD1 and PHEX antisense RNA; minus strand). Cytogenetic location: Xp22.11.
Variant type: Deletion.
Coding change: c.2110del on transcript NM_000444.6 (MANE Select); coding-DNA position 2110, one base deleted (C; older notation c.2110delC).
Protein change: p.Gln704fs; shifts the reading frame from glutamine 704.
Molecular consequence: frameshift variant. On other transcripts: intron variant (1).
Genome position (GRCh38, 1-based): chrX:22,245,372, C deleted. VCF-style (leftmost placement, unchanged base first): chrX-22245371-AC-A. GRCh37 (hg19) VCF-style: chrX-22263488-AC-A.
Other names: c.2071-2479del (NM_001282754.2); short protein forms Q704fs.
Identifiers: ClinVar variation 2818072 (VCV002818072.3), dbSNP rs2518709285, ClinGen allele CA2739268122.
Genomic context (GRCh38, chrX:22,245,371, plus strand): 5'-TTGGGATGCTTTTCTCTTCTAGGTGAGGTGCAATTCCTACAGACCAGAAGCTGCCCGAGA[AC>A]AAGTCCAAATTGGTGCTCACAGTCCCCCTCAGTTTAGGTAAATGGGCAAATGGGTGACGG-3'